The following is an entry in ClinVar:

NM_021224.6(ZNF462):c.1992del (p.Leu665fs)

Gene: ZNF462 (zinc finger protein 462; plus strand). Cytogenetic location: 9q31.2.
Variant type: Deletion.
Coding change: c.1992del on transcript NM_021224.6 (MANE Select); coding-DNA position 1992, one base deleted (G; older notation c.1992delG).
Protein change: p.Leu665fs; shifts the reading frame from leucine 665.
Molecular consequence: frameshift variant.
Genome position (GRCh38, 1-based): chr9:106,925,904, G deleted; the last of 3 consecutive G bases (chr9:106,925,902-106,925,904); deleting any one gives the same sequence. VCF-style (leftmost placement, unchanged base first): chr9-106925901-TG-T. GRCh37 (hg19) VCF-style: chr9-109688182-TG-T.
Other names: c.1992del, p.Leu665fs (NM_001347997.2); short protein forms L665fs.
Identifiers: ClinVar variation 3476088 (VCV003476088.1).

ClinVar aggregate classification (germline): Pathogenic (1 of 4 stars; one submission).

Conditions:
Inborn genetic diseases. Identifiers: MedGen C0950123, MeSH D030342.

Submission:

Ambry Genetics
Classification: Pathogenic for Inborn genetic diseases. Last evaluated: 2024-09-18. Review status: criteria provided, single submitter. Criteria: Ambry Variant Classification Scheme 2023. Collection method: clinical testing. Allele origin: germline.
Comment: The c.1992delG (p.L665Cfs*8) alteration, located in exon 3 (coding exon 2) of the ZNF462 gene, consists of a deletion of one nucleotide at position 1992, causing a translational frameshift with a predicted alternate stop codon after 8 amino acids. This alteration is expected to result in loss of function by premature protein truncation or nonsense-mediated mRNA decay. This variant was not reported in population-based cohorts in the Genome Aggregation Database (gnomAD). Based on the available evidence, this alteration is classified as pathogenic.